The following is an entry in ClinVar:

NM_014915.3(ANKRD26):c.3136G>A (p.Asp1046Asn)

Gene: ANKRD26 (ankyrin repeat domain 26; minus strand). Cytogenetic location: 10p12.1.
Variant type: single nucleotide variant.
Coding change: c.3136G>A on transcript NM_014915.3 (MANE Select); coding-DNA position 3136, G replaced by A.
Protein change: p.Asp1046Asn; replaces aspartic acid 1046 with asparagine.
Molecular consequence: missense variant.
Genome position (GRCh38, 1-based): chr10:27,035,314, C>T on the plus strand (G>A on the coding strand, the complement: ANKRD26 is on the minus strand). VCF-style: chr10-27035314-C-T. GRCh37 (hg19) VCF-style: chr10-27324243-C-T.
Other names: c.3133G>A, p.Asp1045Asn (NM_001256053.2); short protein forms D1045N, D1046N.
Identifiers: ClinVar variation 2502715 (VCV002502715.6), dbSNP rs2054008019, ClinGen allele CA376364048.

ClinVar aggregate classification (germline): Uncertain significance. Review status: criteria provided, multiple submitters, no conflicts (2 of 4 stars). 3 submissions from 3 submitters: Uncertain significance (3). Last evaluated 2024-12-08.

Conditions:
Inborn genetic diseases. Identifiers: MedGen C0950123, MeSH D030342.

Allele frequency attached by ClinVar (database versions not stated): gnomAD exomes below 0.00001; gnomAD 0.00001.
gnomAD v4.1: 7 of 1,613,722 alleles (0.00043%); highest among the groups gnomAD compares: Non-Finnish European, 0.00059%; no homozygotes.

Submissions (3):

Ambry Genetics
Classification: Uncertain significance for Inborn genetic diseases. Last evaluated: 2024-12-08. Review status: criteria provided, single submitter. Criteria: Ambry Variant Classification Scheme 2023. Collection method: clinical testing. Allele origin: germline.
Comment: The p.D1046N variant (also known as c.3136G>A), located in coding exon 24 of the ANKRD26 gene, results from a G to A substitution at nucleotide position 3136. The aspartic acid at codon 1046 is replaced by asparagine, an amino acid with highly similar properties. This amino acid position is conserved. In addition, this alteration is predicted to be tolerated by in silico analysis. Based on the available evidence, the clinical significance of this variant remains unclear.

GeneDx
Classification: Uncertain significance. Last evaluated: 2024-01-02. Review status: criteria provided, single submitter. Criteria: GeneDx Variant Classification Process June 2021. Collection method: clinical testing. Allele origin: germline.
Comment: Not observed at significant frequency in large population cohorts (gnomAD); In silico analysis supports that this missense variant has a deleterious effect on protein structure/function; Has not been previously published as pathogenic or benign to our knowledge

Labcorp Genetics (formerly Invitae), Labcorp
Classification: Uncertain significance. Last evaluated: 2023-07-21. Review status: criteria provided, single submitter. Criteria: Invitae Variant Classification Sherloc (09022015). Collection method: clinical testing. Allele origin: germline.
Comment: This sequence change replaces aspartic acid, which is acidic and polar, with asparagine, which is neutral and polar, at codon 1046 of the ANKRD26 protein (p.Asp1046Asn). This variant is not present in population databases (gnomAD no frequency). This variant has not been reported in the literature in individuals affected with ANKRD26-related conditions. ClinVar contains an entry for this variant (Variation ID: 2502715). An algorithm developed to predict the effect of missense changes on protein structure and function (PolyPhen-2) suggests that this variant is likely to be disruptive. In summary, the available evidence is currently insufficient to determine the role of this variant in disease. Therefore, it has been classified as a Variant of Uncertain Significance.